The following is an entry in ClinVar:

NM_014305.4(TGDS):c.878_879del (p.Asn293fs)

Gene: TGDS (TDP-glucose 4,6-dehydratase; minus strand). Cytogenetic location: 13q32.1.
Variant type: Deletion.
Coding change: c.878_879del on transcript NM_014305.4 (MANE Select); coding-DNA positions 878 to 879, 2 bases deleted (AT; older notation c.878_879delAT).
Protein change: p.Asn293fs; shifts the reading frame from asparagine 293.
Molecular consequence: frameshift variant. On other transcripts: non-coding transcript variant (2).
Genome position (GRCh38, 1-based): chr13:94,577,376-94,577,377, AT deleted on the plus strand (AT on the coding strand, the reverse complement: TGDS is on the minus strand). VCF-style (leftmost placement, unchanged base first): chr13-94577375-CAT-C. GRCh37 (hg19) VCF-style: chr13-95229629-CAT-C.
Other names: c.782_783del, p.Asn261fs (NM_001304430.2); short protein forms N261fs, N293fs.
Identifiers: ClinVar variation 4763337 (VCV004763337.1).

ClinVar aggregate classification (germline): Uncertain significance (1 of 4 stars; one submission).

Submission:

Labcorp Genetics (formerly Invitae), Labcorp
Classification: Uncertain significance. Last evaluated: 2025-11-18. Review status: criteria provided, single submitter. Criteria: Invitae Variant Classification Sherloc (09022015). Collection method: clinical testing. Allele origin: germline.
Comment: This sequence change creates a premature translational stop signal (p.Asn293Argfs*2) in the TGDS gene. It is expected to result in an absent or disrupted protein product. However, the current clinical and genetic evidence is not sufficient to establish whether loss-of-function variants in TGDS cause disease. This variant is not present in population databases (gnomAD no frequency). This variant has not been reported in the literature in individuals affected with TGDS-related conditions. In summary, the available evidence is currently insufficient to determine the role of this variant in disease. Therefore, it has been classified as a Variant of Uncertain Significance.